The following is an entry in ClinVar:

NM_031885.5(BBS2):c.471+4T>G

Gene: BBS2 (Bardet-Biedl syndrome 2; minus strand). Cytogenetic location: 16q13.
Variant type: single nucleotide variant.
Coding change: c.471+4T>G on transcript NM_031885.5 (MANE Select); 4 bases into the intron after coding-DNA position 471, T replaced by G.
Molecular consequence: intron variant.
Genome position (GRCh38, 1-based): chr16:56,511,155, A>C on the plus strand (T>G on the coding strand, the complement: BBS2 is on the minus strand). VCF-style: chr16-56511155-A-C. GRCh37 (hg19) VCF-style: chr16-56545067-A-C.
Other names: c.471+4T>G (NM_001377456.1).
Identifiers: ClinVar variation 5001491 (VCV005001491.1).

ClinVar aggregate classification (germline): Likely benign (1 of 4 stars; one submission).

Conditions:
BBS2-related disorder. Also called: BBS2-related disorders; BBS2-related condition. Identifiers: MedGen CN239228.

Submission:

PreventionGenetics, part of Exact Sciences
Classification: Likely benign for BBS2-related condition. Last evaluated: 2025-05-05. Review status: criteria provided, single submitter. Criteria: ACMG Guidelines, 2015. Collection method: clinical testing. Allele origin: germline.
Comment: This variant is classified as likely benign based on ACMG/AMP sequence variant interpretation guidelines (Richards et al. 2015 PMID: 25741868, with internal and published modifications).